The following is an entry in ClinVar:

NM_006372.5(SYNCRIP):c.1342C>T (p.Arg448Cys)

Gene: SYNCRIP (synaptotagmin binding cytoplasmic RNA interacting protein; minus strand). Cytogenetic location: 6q14.3.
Variant type: single nucleotide variant.
Coding change: c.1342C>T on transcript NM_006372.5 (MANE Select); coding-DNA position 1342, C replaced by T.
Protein change: p.Arg448Cys; replaces arginine 448 with cysteine.
Molecular consequence: missense variant.
Genome position (GRCh38, 1-based): chr6:85,615,286, G>A on the plus strand (C>T on the coding strand, the complement: SYNCRIP is on the minus strand). VCF-style: chr6-85615286-G-A. GRCh37 (hg19) VCF-style: chr6-86325004-G-A.
Other names: c.1048C>T, p.Arg350Cys (NM_001159673.2, NM_001410938.1); c.1237C>T, p.Arg413Cys (NM_001159674.2, NM_001159675.2); c.1342C>T, p.Arg448Cys (NM_001159676.2, NM_001159677.2); c.886C>T, p.Arg296Cys (NM_001253771.2); short protein forms R296C, R350C, R413C, R448C.
Identifiers: ClinVar variation 3376100 (VCV003376100.1).

ClinVar aggregate classification (germline): Uncertain significance (1 of 4 stars; one submission).

gnomAD v4.1: 1 of 1,583,250 alleles (0.000063%); no homozygotes.

Submission:

GeneDx
Classification: Uncertain significance. Last evaluated: 2024-05-08. Review status: criteria provided, single submitter. Criteria: GeneDx Variant Classification Process June 2021. Collection method: clinical testing. Allele origin: germline. Affected: yes.
Comment: Not observed at significant frequency in large population cohorts (gnomAD); In silico analysis supports that this missense variant has a deleterious effect on protein structure/function; Has not been previously published as pathogenic or benign to our knowledge